The following is an entry in ClinVar:

NM_000535.7(PMS2):c.904-6G>A

Gene: PMS2 (PMS1 homolog 2, mismatch repair system component; minus strand). Cytogenetic location: 7p22.1.
Variant type: single nucleotide variant.
Coding change: c.904-6G>A on transcript NM_000535.7 (MANE Select); 6 bases into the intron before coding-DNA position 904, G replaced by A.
Molecular consequence: intron variant.
Genome position (GRCh38, 1-based): chr7:5,992,063, C>T on the plus strand (G>A on the coding strand, the complement: PMS2 is on the minus strand). VCF-style: chr7-5992063-C-T. GRCh37 (hg19) VCF-style: chr7-6031694-C-T.
Other names: c.586-6G>A (NM_001322008.2, NM_001322007.2); c.499-6G>A (NM_001322010.2, NM_001322004.2, NM_001322003.2 and 2 more transcripts); c.331-6G>A (NM_001322013.2); c.-30-6G>A (NM_001322012.2, NM_001322011.2); c.595-6G>A (NM_001322015.2); c.904-6G>A (NM_001322006.2, NM_001322014.2).
Identifiers: ClinVar variation 1617193 (VCV001617193.10), dbSNP rs1172293746, ClinGen allele CA2573141989.

ClinVar aggregate classification (germline): Likely benign. Review status: criteria provided, multiple submitters, no conflicts (2 of 4 stars). 3 submissions from 3 submitters: Likely benign (3). Last evaluated 2025-01-30.

Conditions:
Lynch syndrome 4 (LYNCH4). Also called: Colorectal cancer, hereditary nonpolyposis, type 4; Hereditary non-polyposis colorectal cancer, type 4. Identifiers: Orphanet 144, MedGen C1838333, MONDO:0013699, OMIM 614337. Disease mechanism: loss of function.
Lynch syndrome. Identifiers: Orphanet 144, MedGen C4552100, MONDO:0005835. Disease mechanism: loss of function.
Hereditary nonpolyposis colorectal neoplasms. Identifiers: MedGen C0009405, MeSH D003123.

gnomAD v4.1: 3 of 1,472,800 alleles (0.0002%); highest among the groups gnomAD compares: Non-Finnish European, 0.00029%; no homozygotes.

Submissions (3):

Labcorp Genetics (formerly Invitae), Labcorp
Classification: Likely benign for Hereditary nonpolyposis colorectal neoplasms. Last evaluated: 2025-01-30. Review status: criteria provided, single submitter. Criteria: Invitae Variant Classification Sherloc (09022015). Collection method: clinical testing. Allele origin: germline.

Myriad Genetics, Inc.
Classification: Likely benign for Lynch syndrome 4. Last evaluated: 2025-01-29. Review status: criteria provided, single submitter. Criteria: Myriad Autosomal Dominant, Autosomal Recessive and X-Linked Classification Criteria (2023). Collection method: clinical testing. Allele origin: unknown.
Comment: This variant is considered likely benign. This variant is intronic and is not expected to impact mRNA splicing.

All of Us Research Program, National Institutes of Health
Classification: Likely benign for Lynch syndrome. Last evaluated: 2024-08-13. Review status: criteria provided, single submitter. Criteria: ACMG Guidelines, 2015. Collection method: clinical testing. Allele origin: germline. Inheritance: Autosomal dominant inheritance. Observed: 1 variant allele, 1 heterozygote.
Comment: This study involves interpretation of variants in research participants for the purpose of population health screening. Participant phenotype was not available at the time of variant classification. Additional details can be found in publication PMID: 35346344, PMCID: PMC8962531